The following is an entry in ClinVar:

ClinVar aggregate classification (germline): Uncertain significance (1 of 4 stars; one submission).

Conditions:
2-aminoadipic 2-oxoadipic aciduria (AAKAD). Also called: Aminoadipic aciduria; ALPHA-AMINOADIPIC AND ALPHA-KETOADIPIC ACIDURIA. Identifiers: Orphanet 79154, MedGen C1859817, MONDO:0008774, OMIM 204750.

Allele frequency attached by ClinVar (database versions not stated): gnomAD 0.00001; gnomAD exomes 0.00001; TOPMed 0.00001; ESP Exome Variant Server 0.00008.
gnomAD v4.1: 4 of 1,613,958 alleles (0.00025%); highest among the groups gnomAD compares: Non-Finnish European, 0.00034%; no homozygotes.

Submission:

Labcorp Genetics (formerly Invitae), Labcorp
Classification: Uncertain significance for 2-aminoadipic 2-oxoadipic aciduria. Last evaluated: 2022-11-01. Review status: criteria provided, single submitter. Criteria: Invitae Variant Classification Sherloc (09022015). Collection method: clinical testing. Allele origin: germline.
Comment: This variant has not been reported in the literature in individuals affected with DHTKD1-related conditions. This variant is present in population databases (rs141891410, gnomAD 0.0009%). This sequence change replaces serine, which is neutral and polar, with asparagine, which is neutral and polar, at codon 212 of the DHTKD1 protein (p.Ser212Asn). Advanced modeling of protein sequence and biophysical properties (such as structural, functional, and spatial information, amino acid conservation, physicochemical variation, residue mobility, and thermodynamic stability) performed at Invitae indicates that this missense variant is not expected to disrupt DHTKD1 protein function. In summary, the available evidence is currently insufficient to determine the role of this variant in disease. Therefore, it has been classified as a Variant of Uncertain Significance.

NM_018706.7(DHTKD1):c.635G>A (p.Ser212Asn)

Gene: DHTKD1 (dehydrogenase E1 and transketolase domain containing 1; plus strand). Cytogenetic location: 10p14.
Variant type: single nucleotide variant.
Coding change: c.635G>A on transcript NM_018706.7 (MANE Select); coding-DNA position 635, G replaced by A.
Protein change: p.Ser212Asn; replaces serine 212 with asparagine.
Molecular consequence: missense variant.
Genome position (GRCh38, 1-based): chr10:12,087,647, G>A. VCF-style: chr10-12087647-G-A. GRCh37 (hg19) VCF-style: chr10-12129646-G-A.
Other names: short protein forms S212N.
Identifiers: ClinVar variation 2958675 (VCV002958675.3), dbSNP rs141891410, ClinGen allele CA202581775.
Genomic context (GRCh38, chr10:12,087,647, plus strand): 5'-GCGAAGGGGCTGAAAGCATGATGGGCTTTTTCCACGAGCTGCTGAAAATGTCGGCCTACA[G>A]CGGGATCACTGATGTCATTATTGGGATGCCCCATAGAGGGAGGCTGAATTTATTGACAGG-3'
Protein context (NP_061176.4, residues 202-222): FHELLKMSAY[Ser212Asn]GITDVIIGMP